The following is an entry in ClinVar:

NM_032043.3(BRIP1):c.255A>C (p.Ser85=)

Gene: BRIP1 (BRCA1 interacting DNA helicase 1; minus strand). Cytogenetic location: 17q23.2.
Variant type: single nucleotide variant.
Coding change: c.255A>C on transcript NM_032043.3 (MANE Select); coding-DNA position 255, A replaced by C.
Protein change: p.Ser85=; no amino-acid change (serine 85 retained).
Molecular consequence: synonymous variant.
Genome position (GRCh38, 1-based): chr17:61,857,182, T>G on the plus strand (A>C on the coding strand, the complement: BRIP1 is on the minus strand). VCF-style: chr17-61857182-T-G. GRCh37 (hg19) VCF-style: chr17-59934543-T-G.
Other names: c.255A>C (NM_032043.2).
Identifiers: ClinVar variation 1618149 (VCV001618149.11), dbSNP rs2078909755, ClinGen allele CA501151418.
Genomic context (GRCh38, chr17:61,857,182, plus strand): 5'-TGAAGTTCCTTGGTTCATGTCATTGTTTGTAAAATCCTTTGAATGGCATGCACAACAACA[T>G]GACAATTGTACTTCAGCTTTTTCACTTACGCCCTCATCTGCTGGTTTCCCTAAAAATGAA-3'
Protein context (NP_114432.2, residues 75-95): GVSEKAEVQL[Ser85=]CCCACHSKDF

ClinVar aggregate classification (germline): Benign/Likely benign. Review status: criteria provided, multiple submitters, no conflicts (2 of 4 stars). 3 submissions from 3 submitters: Benign (1); Likely benign (2). Last evaluated 2025-07-06.

Conditions:
Hereditary cancer-predisposing syndrome. Also called: Neoplastic Syndromes, Hereditary; Hereditary neoplastic syndrome; Tumor predisposition; Hereditary Cancer Syndrome. Identifiers: Orphanet 140162, MedGen C0027672, MeSH D009386, MONDO:0015356.
Familial cancer of breast. Also called: BREAST CANCER, FAMILIAL; Hereditary breast cancer; hereditary breast carcinoma. Identifiers: Orphanet 227535, MedGen C0346153, MONDO:0016419, OMIM 114480. Disease mechanism: loss of function.
Fanconi anemia complementation group J. Also called: BRIP1-Related Fanconi Anemia. Identifiers: Orphanet 84, MedGen C1836860, MONDO:0012187, OMIM 609054.

Submissions (3):

Labcorp Genetics (formerly Invitae), Labcorp
Classification: Likely benign for Familial cancer of breast; Fanconi anemia complementation group J. Last evaluated: 2025-07-06. Review status: criteria provided, single submitter. Criteria: Invitae Variant Classification Sherloc (09022015). Collection method: clinical testing. Allele origin: germline.

Ambry Genetics
Classification: Likely benign for Hereditary cancer-predisposing syndrome. Last evaluated: 2025-04-13. Review status: criteria provided, single submitter. Criteria: Ambry Variant Classification Scheme 2023. Collection method: clinical testing. Allele origin: germline.

Myriad Genetics, Inc.
Classification: Benign for Familial cancer of breast. Last evaluated: 2024-08-09. Review status: criteria provided, single submitter. Criteria: Myriad Autosomal Dominant, Autosomal Recessive and X-Linked Classification Criteria (2023). Collection method: clinical testing. Allele origin: unknown.
Comment: This variant is considered benign. This variant is a silent/synonymous amino acid change and it is not expected to impact splicing.